The following is an entry in ClinVar:

NM_016026.4(RDH11):c.812C>T (p.Ala271Val)

Genes: GPHN (gephyrin; plus strand), RDH11 (retinol dehydrogenase 11; minus strand). Cytogenetic location: 14q24.1.
Variant type: single nucleotide variant.
Coding change: c.812C>T on transcript NM_016026.4 (MANE Select); coding-DNA position 812, C replaced by T.
Protein change: p.Ala271Val; replaces alanine 271 with valine.
Molecular consequence: missense variant.
Genome position (GRCh38, 1-based): chr14:67,685,057, G>A on the plus strand (C>T on the coding strand, the complement: RDH11 is on the minus strand). VCF-style: chr14-67685057-G-A. GRCh37 (hg19) VCF-style: chr14-68151774-G-A.
Other names: c.602C>T, p.Ala201Val (NM_001252650.2); short protein forms A271V, A201V.
Identifiers: ClinVar variation 1412110 (VCV001412110.6), dbSNP rs976639603, ClinGen allele CA262792985.

ClinVar aggregate classification (germline): Uncertain significance (1 of 4 stars; one submission).

Allele frequency attached by ClinVar (database versions not stated): gnomAD 0.00001; TOPMed 0.00001.
gnomAD v4.1: 1 of 1,613,672 alleles (0.000062%); highest among the groups gnomAD compares: African/African-American, 0.0013%; no homozygotes.

Submission:

Labcorp Genetics (formerly Invitae), Labcorp
Classification: Uncertain significance. Last evaluated: 2022-06-27. Review status: criteria provided, single submitter. Criteria: Invitae Variant Classification Sherloc (09022015). Collection method: clinical testing. Allele origin: germline.
Comment: This variant is present in population databases (no rsID available, gnomAD 0.01%). In summary, the available evidence is currently insufficient to determine the role of this variant in disease. Therefore, it has been classified as a Variant of Uncertain Significance. Algorithms developed to predict the effect of missense changes on protein structure and function are either unavailable or do not agree on the potential impact of this missense change (SIFT: "Deleterious"; PolyPhen-2: "Probably Damaging"; Align-GVGD: "Class C0"). This variant has not been reported in the literature in individuals affected with RDH11-related conditions. This sequence change replaces alanine, which is neutral and non-polar, with valine, which is neutral and non-polar, at codon 271 of the RDH11 protein (p.Ala271Val).